The following is an entry in ClinVar:

ClinVar aggregate classification (germline): Pathogenic (1 of 4 stars; one submission).

Conditions:
Hereditary spastic paraplegia 11. Also called: SPASTIC PARAPLEGIA, AUTOSOMAL RECESSIVE, COMPLICATED, WITH THIN CORPUS CALLOSUM; SPASTIC PARAPLEGIA, AUTOSOMAL RECESSIVE, WITH MENTAL IMPAIRMENT AND THIN CORPUS CALLOSUM; Spastic Paraplegia 11; Spastic paraplegia, mental retardation and thin corpus callosum; Nakamura Osame syndrome; Autosomal recessive hereditary spastic paraplegia, mental impairment, and thin corpus callosum. Identifiers: Orphanet 2822, MedGen C1858479, MONDO:0011445, OMIM 604360.

Allele frequency attached by ClinVar (database versions not stated): gnomAD exomes below 0.00001; ExAC 0.00001.
gnomAD v4.1: 2 of 1,614,122 alleles (0.00012%); highest among the groups gnomAD compares: African/African-American, 0.0013%; no homozygotes.

Submission:

Labcorp Genetics (formerly Invitae), Labcorp
Classification: Pathogenic for Hereditary spastic paraplegia 11. Last evaluated: 2023-10-18. Review status: criteria provided, single submitter. Criteria: Invitae Variant Classification Sherloc (09022015). Collection method: clinical testing. Allele origin: germline.
Comment: This sequence change creates a premature translational stop signal (p.Gln1808*) in the SPG11 gene. It is expected to result in an absent or disrupted protein product. Loss-of-function variants in SPG11 are known to be pathogenic (PMID: 19105190, 20110243, 22154821, 26556829). This variant is present in population databases (rs772441925, gnomAD 0.003%). This variant has not been reported in the literature in individuals affected with SPG11-related conditions. For these reasons, this variant has been classified as Pathogenic.

Literature cited by the submitters: PubMed 19105190; PubMed 20110243; PubMed 22154821; PubMed 26556829.

NM_025137.4(SPG11):c.5422C>T (p.Gln1808Ter)

Gene: SPG11 (SPG11 vesicle trafficking associated, spatacsin; minus strand). Cytogenetic location: 15q21.1.
Variant type: single nucleotide variant.
Coding change: c.5422C>T on transcript NM_025137.4 (MANE Select); coding-DNA position 5422, C replaced by T.
Protein change: p.Gln1808Ter; replaces glutamine 1808 with a stop codon.
Molecular consequence: nonsense.
Genome position (GRCh38, 1-based): chr15:44,584,258, G>A on the plus strand (C>T on the coding strand, the complement: SPG11 is on the minus strand). VCF-style: chr15-44584258-G-A. GRCh37 (hg19) VCF-style: chr15-44876456-G-A.
Other names: c.5422C>T, p.Gln1808Ter (NM_001160227.2); c.5278C>T, p.Gln1760Ter (NM_001411132.1); short protein forms Q1808*, Q1760*.
Identifiers: ClinVar variation 2903172 (VCV002903172.3), dbSNP rs772441925, ClinGen allele CA7534408.